The following is an entry in ClinVar:

NM_001349206.2(LPIN1):c.2518G>C (p.Asp840His)

Gene: LPIN1 (lipin 1; plus strand). Cytogenetic location: 2p25.1.
Variant type: single nucleotide variant.
Coding change: c.2518G>C on transcript NM_001349206.2 (MANE Select); coding-DNA position 2518, G replaced by C.
Protein change: p.Asp840His; replaces aspartic acid 840 with histidine.
Molecular consequence: missense variant. On other transcripts: non-coding transcript variant (1).
Genome position (GRCh38, 1-based): chr2:11,820,411, G>C. VCF-style: chr2-11820411-G-C. GRCh37 (hg19) VCF-style: chr2-11960537-G-C.
Other names: c.2428G>C, p.Asp810His (NM_001261427.3); c.2665G>C, p.Asp889His (NM_001261428.3); c.2410G>C, p.Asp804His (NM_001349199.2, NM_145693.4); c.2488G>C, p.Asp830His (NM_001349200.2, NM_001349201.2); c.2515G>C, p.Asp839His (NM_001349202.2, NM_001349203.2); c.2518G>C, p.Asp840His (NM_001349204.2, NM_001349205.2); c.2608G>C, p.Asp870His (NM_001349207.2); c.2557G>C, p.Asp853His (NM_001349208.2); short protein forms D840H, D889H, D804H, D830H, D870H, D853H, D810H, D839H.
Identifiers: ClinVar variation 666367 (VCV000666367.2), dbSNP rs1573030522, ClinGen allele CA345859985.

ClinVar aggregate classification (germline): Uncertain significance (1 of 4 stars; one submission).

Conditions:
Myoglobinuria, acute recurrent, autosomal recessive. Also called: RHABDOMYOLYSIS, ACUTE RECURRENT; MYOGLOBINURIA, FAMILIAL PAROXYSMAL PARALYTIC; Myoglobinuria, recurrent, autosomal recessive. Identifiers: Orphanet 99845, MedGen C1849386, MONDO:0009992, OMIM 268200.

Submission:

Department of Chemical Pathology, Prince of Wales Hospital
Classification: Uncertain significance for Myoglobinuria, acute recurrent, autosomal recessive. Review status: criteria provided, single submitter. Criteria: ACMG Guidelines, 2015. Collection method: clinical testing. Allele origin: germline. Affected: yes. Observed: 1 variant allele.
Comment: Heterozygous; seen in trans with NM_145693.2:c.1949_1967dupGTGTCACCACGCAGTACCA